The following is an entry in ClinVar:

ClinVar aggregate classification (germline): Uncertain significance (1 of 4 stars; one submission).

Allele frequency attached by ClinVar (database versions not stated): gnomAD exomes below 0.00001; ExAC 0.00002.
gnomAD v4.1: 2 of 1,613,806 alleles (0.00012%); highest among the groups gnomAD compares: South Asian, 0.0022%; no homozygotes.

Submission:

Ambry Genetics
Classification: Uncertain significance. Last evaluated: 2022-03-31. Review status: criteria provided, single submitter. Criteria: Ambry Variant Classification Scheme 2023. Collection method: clinical testing. Allele origin: germline.
Comment: The p.V1757L variant (also known as c.5269G>C), located in coding exon 16 of the POLQ gene, results from a G to C substitution at nucleotide position 5269. The valine at codon 1757 is replaced by leucine, an amino acid with highly similar properties. This amino acid position is conserved. In addition, this alteration is predicted to be tolerated by in silico analysis. Since supporting evidence is limited at this time, the clinical significance of this alteration remains unclear.

NM_199420.4(POLQ):c.5269G>C (p.Val1757Leu)

Gene: POLQ (DNA polymerase theta; minus strand). Cytogenetic location: 3q13.33.
Variant type: single nucleotide variant.
Coding change: c.5269G>C on transcript NM_199420.4 (MANE Select); coding-DNA position 5269, G replaced by C.
Protein change: p.Val1757Leu; replaces valine 1757 with leucine.
Molecular consequence: missense variant.
Genome position (GRCh38, 1-based): chr3:121,487,662, C>G on the plus strand (G>C on the coding strand, the complement: POLQ is on the minus strand). VCF-style: chr3-121487662-C-G. GRCh37 (hg19) VCF-style: chr3-121206509-C-G.
Other names: short protein forms V1757L.
Identifiers: ClinVar variation 1746477 (VCV001746477.2), dbSNP rs770473769, ClinGen allele CA2562752.